The following is an entry in ClinVar:

ClinVar aggregate classification (germline): Uncertain significance (1 of 4 stars; one submission).

Conditions:
Inborn genetic diseases. Identifiers: MedGen C0950123, MeSH D030342.

Submission:

Ambry Genetics
Classification: Uncertain significance for Inborn genetic diseases. Last evaluated: 2025-08-09. Review status: criteria provided, single submitter. Criteria: Ambry Variant Classification Scheme 2023. Collection method: clinical testing. Allele origin: germline.
Comment: The p.A125P variant (also known as c.373G>C), located in coding exon 1 of the SH2B3 gene, results from a G to C substitution at nucleotide position 373. The alanine at codon 125 is replaced by proline, an amino acid with highly similar properties. This amino acid position is conserved. In addition, this alteration is predicted to be tolerated by in silico analysis. Based on the available evidence, the clinical significance of this variant remains unclear.

NM_005475.3(SH2B3):c.373G>C (p.Ala125Pro)

Gene: SH2B3 (SH2B adaptor protein 3; plus strand). Cytogenetic location: 12q24.12.
Variant type: single nucleotide variant.
Coding change: c.373G>C on transcript NM_005475.3 (MANE Select); coding-DNA position 373, G replaced by C.
Protein change: p.Ala125Pro; replaces alanine 125 with proline.
Molecular consequence: missense variant.
Genome position (GRCh38, 1-based): chr12:111,418,518, G>C. VCF-style: chr12-111418518-G-C. GRCh37 (hg19) VCF-style: chr12-111856322-G-C.
Other names: short protein forms A125P.
Identifiers: ClinVar variation 4163983 (VCV004163983.1).